The following is an entry in ClinVar:

ClinVar aggregate classification (germline): Conflicting classifications of pathogenicity. Review status: criteria provided, conflicting classifications (1 of 4 stars). 4 submissions from 4 submitters: Uncertain significance (3); Benign (1). Last evaluated 2026-05-05.

Conditions:
Von Hippel-Lindau syndrome (VHLS). Also called: VHL syndrome; von Hippel–Lindau syndrome; Von Hippel-Lindau. Identifiers: Orphanet 892, MedGen C0019562, MONDO:0008667, OMIM 193300. Disease mechanism: loss of function.
Chuvash polycythemia. Also called: POLYCYTHEMIA, VHL-DEPENDENT. Identifiers: Orphanet 238557, MedGen C1837915, MONDO:0009892, OMIM 263400.
Hereditary cancer-predisposing syndrome. Also called: Neoplastic Syndromes, Hereditary; Tumor predisposition; Hereditary Cancer Syndrome; Hereditary neoplastic syndrome. Identifiers: Orphanet 140162, MedGen C0027672, MeSH D009386, MONDO:0015356.

Allele frequency attached by ClinVar (database versions not stated): TOPMed below 0.00001.
gnomAD v4.1: 15 of 1,595,554 alleles (0.00094%); highest among the groups gnomAD compares: Non-Finnish European, 0.0013%; no homozygotes.

Submissions (4):

Ambry Genetics
Classification: Benign for Hereditary cancer-predisposing syndrome. Last evaluated: 2026-05-05. Review status: criteria provided, single submitter. Criteria: Ambry Variant Classification Scheme 2023. Collection method: clinical testing. Allele origin: germline.

Labcorp Genetics (formerly Invitae), Labcorp
Classification: Uncertain significance for Von Hippel-Lindau syndrome; Chuvash polycythemia. Last evaluated: 2026-01-13. Review status: criteria provided, single submitter. Criteria: Invitae Variant Classification Sherloc (09022015). Collection method: clinical testing. Allele origin: germline.
Comment: This sequence change replaces arginine, which is basic and polar, with glycine, which is neutral and non-polar, at codon 60 of the VHL protein (p.Arg60Gly). This variant is not present in population databases (gnomAD no frequency). This variant has not been reported in the literature in individuals affected with VHL-related conditions. ClinVar contains an entry for this variant (Variation ID: 411956). Invitae Evidence Modeling of protein sequence and biophysical properties (such as structural, functional, and spatial information, amino acid conservation, physicochemical variation, residue mobility, and thermodynamic stability) has been performed for this missense variant. However, the output from this modeling did not meet the statistical confidence thresholds required to predict the impact of this variant on VHL protein function. In summary, the available evidence is currently insufficient to determine the role of this variant in disease. Therefore, it has been classified as a Variant of Uncertain Significance.

Color Diagnostics, LLC DBA Color Health
Classification: Uncertain significance for Von Hippel-Lindau syndrome. Last evaluated: 2025-06-20. Review status: criteria provided, single submitter. Criteria: ACMG Guidelines, 2015. Collection method: clinical testing. Allele origin: germline.
Comment: This missense variant replaces arginine with glycine at codon 60 of the VHL protein. Computational prediction suggests that this variant may not impact protein structure and function. A functional assay has reported that this variant does not impact VHL function in a haploid cell proliferation assay (PMID: 38969834). This variant has not been reported in individuals affected with VHL-related disorders in the literature. This variant is not rare and it has been identified in 15/1595554 chromosomes in the general population by the Genome Aggregation Database (gnomADv4). The available evidence is insufficient to determine the role of this variant in disease conclusively. Therefore, this variant is classified as a Variant of Uncertain Significance.

Blueprint Genetics
Classification: Uncertain significance. Last evaluated: 2024-07-30. Review status: criteria provided, single submitter. Criteria: ACMG Guidelines, 2015. Collection method: clinical testing. Allele origin: germline.

Literature cited by the submitters: PubMed 38969834 (cited by Ambry Genetics and Color Diagnostics, LLC DBA Color Health).

NM_000551.4(VHL):c.178C>G (p.Arg60Gly)

Gene: VHL (von Hippel-Lindau tumor suppressor; plus strand). Cytogenetic location: 3p25.3.
Variant type: single nucleotide variant.
Coding change: c.178C>G on transcript NM_000551.4 (MANE Select); coding-DNA position 178, C replaced by G.
Protein change: p.Arg60Gly; replaces arginine 60 with glycine.
Molecular consequence: missense variant.
Genome position (GRCh38, 1-based): chr3:10,142,025, C>G. VCF-style: chr3-10142025-C-G. GRCh37 (hg19) VCF-style: chr3-10183709-C-G.
Other names: c.178C>G, p.Arg60Gly (NM_001354723.2, NM_198156.3); short protein forms R60G.
Identifiers: ClinVar variation 411956 (VCV000411956.21), dbSNP rs1035077469, ClinGen allele CA16611061.